The following is an entry in ClinVar:

NM_007144.3(PCGF2):c.841A>C (p.Thr281Pro)

Genes: CISD3 (CDGSH iron sulfur domain 3; plus strand), PCGF2 (polycomb group ring finger 2; minus strand). Cytogenetic location: 17q12.
Variant type: single nucleotide variant.
Coding change: c.841A>C on transcript NM_007144.3 (MANE Select); coding-DNA position 841, A replaced by C.
Protein change: p.Thr281Pro; replaces threonine 281 with proline.
Molecular consequence: missense variant. On other transcripts: 3 prime UTR variant (1).
Genome position (GRCh38, 1-based): chr17:38,735,417, T>G on the plus strand (A>C on the coding strand, the complement: PCGF2 is on the minus strand). VCF-style: chr17-38735417-T-G. GRCh37 (hg19) VCF-style: chr17-36891670-T-G.
Other names: c.*1962T>G (NM_001136498.2); c.841A>C, p.Thr281Pro (NM_001369614.1, NM_001369615.1); c.841A>C (NM_007144.2); short protein forms T281P.
Identifiers: ClinVar variation 1991917 (VCV001991917.6), dbSNP rs759495717, ClinGen allele CA8524861.
Genomic context (GRCh38, chr17:38,735,417, plus strand): 5'-TGGGGGAGGTAGGGTGGGTGGCTGGAGGCCCATGGGAACTGGGAGAGCCATGGGATGGGG[T>G]GGCTGGGCTGGGCAGGGAGGAGGAGGTGGCTGGCAGGGTGGCAGGGCTGGGAGCCTTGTC-3'
Protein context (NP_009075.1, residues 271-291): ATSSSLPSPA[Thr281Pro]PSHGSPSSHG

ClinVar aggregate classification (germline): Benign/Likely benign. Review status: criteria provided, multiple submitters, no conflicts (2 of 4 stars). 3 submissions from 3 submitters: Benign (1); Likely benign (1). 1 of the submissions does not count toward it. Last evaluated 2026-02-02.

Conditions:
PCGF2-related disorder. Also called: PCGF2-related condition.

Allele frequency attached by ClinVar (database versions not stated): ExAC 0.00007.

Submissions (3):

Labcorp Genetics (formerly Invitae), Labcorp
Classification: Benign. Last evaluated: 2026-02-02. Review status: criteria provided, single submitter. Criteria: Invitae Variant Classification Sherloc (09022015). Collection method: clinical testing. Allele origin: germline.

Blueprint Genetics
Classification: Likely benign. Last evaluated: 2022-11-29. Review status: criteria provided, single submitter. Criteria: ACMG Guidelines, 2015. Collection method: clinical testing. Allele origin: germline.

PreventionGenetics, part of Exact Sciences
Classification: Uncertain significance for PCGF2-related condition. Last evaluated: 2024-09-04. Review status: no assertion criteria provided. Collection method: clinical testing. Allele origin: germline. Not counted in ClinVar's aggregate classification.
Comment: The PCGF2 c.841A>C variant is predicted to result in the amino acid substitution p.Thr281Pro. To our knowledge, this variant has not been reported in the literature. This variant is reported in 0.011% of alleles in individuals of European (Non-Finnish) descent in gnomAD. At this time, the clinical significance of this variant is uncertain due to the absence of conclusive functional and genetic evidence.